The following is an entry in ClinVar:

ClinVar aggregate classification (germline): Pathogenic/Likely pathogenic. Review status: criteria provided, multiple submitters, no conflicts (2 of 4 stars). 7 submissions from 7 submitters: Pathogenic (6); Likely pathogenic (1). Last evaluated 2025-10-05.

Conditions:
Cardiovascular phenotype. Identifiers: MedGen CN230736.
Familial isolated arrhythmogenic right ventricular dysplasia. Identifiers: Orphanet 217656, MedGen C4274968, MONDO:0016342.
Cardiomyopathy (CMYO). Also called: Cardiomyopathies. Identifiers: Orphanet 167848, MedGen C0878544, MONDO:0004994, HP:0001638. Inheritance: Various modes of inheritance.
Arrhythmogenic right ventricular cardiomyopathy (ARVD). Also called: Cardiomyopathy, ARVC; Arrhythmogenic right ventricular dysplasia; Arrhythmogenic cardiomyopathy; Arrhythmogenic Right Ventricular Cardiomyopathy (ARVC). Identifiers: Orphanet 247, MedGen C0349788, MeSH D019571, MONDO:0016587. Disease mechanism: loss of function. Inheritance: Various modes of inheritance.
Arrhythmogenic right ventricular dysplasia 9 (ARVD9). Also called: Arrhythmogenic Right Ventricular Dysplasia/Cardiomyopathy 9; ARRHYTHMOGENIC RIGHT VENTRICULAR DYSPLASIA, FAMILIAL, 9. Identifiers: MedGen C1836906, MONDO:0012180, OMIM 609040.

Submissions (7):

Labcorp Genetics (formerly Invitae), Labcorp
Classification: Pathogenic for Arrhythmogenic right ventricular dysplasia 9. Last evaluated: 2025-10-05. Review status: criteria provided, single submitter. Criteria: Invitae Variant Classification Sherloc (09022015). Collection method: clinical testing. Allele origin: germline.
Comment: This sequence change creates a premature translational stop signal (p.Leu771Profs*2) in the PKP2 gene. It is expected to result in an absent or disrupted protein product. Loss-of-function variants in PKP2 are known to be pathogenic (PMID: 15489853, 17041889, 23911551). This variant is present in population databases (no rsID available, gnomAD 0.003%). This premature translational stop signal has been observed in individual(s) with arrhythmogenic right ventricular cardiomyopathy (PMID: 29606362). ClinVar contains an entry for this variant (Variation ID: 420209). For these reasons, this variant has been classified as Pathogenic.

GeneDx
Classification: Pathogenic. Last evaluated: 2025-03-17. Review status: criteria provided, single submitter. Criteria: GeneDx Variant Classification Process June 2021. Collection method: clinical testing. Allele origin: germline. Affected: yes.
Comment: Frameshift variant predicted to result in protein truncation or nonsense mediated decay in a gene for which loss of function is a known mechanism of disease; Not observed at significant frequency in large population cohorts (gnomAD); This variant is associated with the following publications: (PMID: 33087929, 31402444, 34135346, 35536239, 29606362)

Color Diagnostics, LLC DBA Color Health
Classification: Pathogenic for Cardiomyopathy. Last evaluated: 2024-02-13. Review status: criteria provided, single submitter. Criteria: ACMG Guidelines, 2015. Collection method: clinical testing. Allele origin: germline.
Comment: This variant deletes 2 nucleotides in exon 12 of the PKP2 gene, creating a frameshift and premature translation stop signal. This variant is expected to result in an absent or non-functional protein product. This variant has been reported in two individuals affected with arrhythmogenic right ventricular cardiomyopathy (PMID: 29606362, 37418234). This variant has been identified in 1/251026 chromosomes in the general population by the Genome Aggregation Database (gnomAD). Loss of PKP2 function is a known mechanism of disease. Based on the available evidence, this variant is classified as Pathogenic.

All of Us Research Program, National Institutes of Health
Classification: Pathogenic for Arrhythmogenic right ventricular cardiomyopathy. Last evaluated: 2023-12-12. Review status: criteria provided, single submitter. Criteria: ACMG Guidelines, 2015. Collection method: clinical testing. Allele origin: germline. Inheritance: Autosomal dominant inheritance. Observed: 1 variant allele, 1 heterozygote.
Comment: The c.2312_2313del (p.Leu771Profs*2) variant in exon 12 of PKP2 gene creates a premature termination codon that is predicted to result in an absent or truncated protein product. This variant has been reported in at least two individuals with arrhythmogenic cardiomyopathy (PMID:29606362, 37418234) and in an individual from a cohort study of cardiovascular disorders (PMID: 34135346). Loss-of-function variants are well known to be pathogenic for PKP2 gene and ClinGen score shows sufficient evidence of haploinsufficiency in this gene (PMID: 23911551, 15489853, 24704780, 29038103, 34120153). Loss-of-function variants downstream of this variant are reported to be pathogenic in multiple individuals with arrhythmogenic right ventricular cardiomyopathy/dysplasia (PMID: 15489853, 17010805, 20031616, 20031617) and classified as pathogenic in ClinVar by multiple submitters (ClinVar ID: 45065, 943591, 6757). This variant is rare (1/251026; 0.000003984) in the general population database gnomAD and classified as pathogenic in ClinVar (ClinVar ID: 420209). Therefore, the c.2312_2313del (p.Leu771Profs*2) variant in the PKP2 gene is classified as pathogenic.

This study involves interpretation of variants in research participants for the purpose of population health screening. Participant phenotype was not available at the time of variant classification. Additional details can be found in publication PMID: 35346344, PMCID: PMC8962531

Ambry Genetics
Classification: Pathogenic for Cardiovascular phenotype. Last evaluated: 2022-03-28. Review status: criteria provided, single submitter. Criteria: Ambry Variant Classification Scheme 2023. Collection method: clinical testing. Allele origin: germline.
Comment: The c.2312_2313delTC pathogenic mutation, located in coding exon 12 of the PKP2 gene, results from a deletion of two nucleotides at nucleotide positions 2312 to 2313, causing a translational frameshift with a predicted alternate stop codon (p.L771Pfs*2). This alteration has been reported in an arrhythmogenic right ventricular cardiomyopathy (ARVC) cohort (Ruiz Salas A et al. Rev Esp Cardiol (Engl Ed), 2018 Dec;71:1018-1026). In addition to the clinical data presented in the literature, this alteration is expected to result in loss of function by premature protein truncation or nonsense-mediated mRNA decay. As such, this alteration is interpreted as a disease-causing mutation.

Fulgent Genetics
Classification: Pathogenic for Arrhythmogenic right ventricular dysplasia 9. Last evaluated: 2021-09-14. Review status: criteria provided, single submitter. Criteria: ACMG Guidelines, 2015. Collection method: clinical testing. Allele origin: unknown.

Women's Health and Genetics/Laboratory Corporation of America, LabCorp
Classification: Likely pathogenic for Familial isolated arrhythmogenic right ventricular dysplasia. Last evaluated: 2016-09-14. Review status: criteria provided, single submitter. Criteria: LabCorp Variant Classification Summary - May 2015. Collection method: clinical testing. Allele origin: germline.
Comment: Variant summary: The PKP2 c.2312_2313delTC (p.Leu771Profs) variant results in a premature termination codon, predicted to cause a truncated or absent PKP2 protein due to nonsense mediated decay, which are commonly known mechanisms for disease. If a protein product is made, it is predicted to truncate the Armadillo-like helical domains (InterPro Q99959). Truncations downstream of this position have been classified as pathogenic by our laboratory (e.g. p.Ser837fs). One in silico tool predicts a damaging outcome for this variant. This variant was absent in 120326 control chromosomes and has not, to our knowledge, been reported in affected individuals via publications and/or reputable databases/clinical diagnostic laboratories; nor evaluated for functional impact by in vivo/vitro studies. Taken together, this variant is classified as likely pathogenic until additional information is available.

Literature cited by the submitters: PubMed 15489853 (cited by Labcorp Genetics (formerly Invitae), Labcorp and All of Us Research Program, National Institutes of Health); PubMed 17041889 (cited by Labcorp Genetics (formerly Invitae), Labcorp); PubMed 23911551 (cited by Labcorp Genetics (formerly Invitae), Labcorp and All of Us Research Program, National Institutes of Health); PubMed 29606362 (cited by 4 submitters); PubMed 34135346 (cited by Color Diagnostics, LLC DBA Color Health and All of Us Research Program, National Institutes of Health); PubMed 37418234 (cited by Color Diagnostics, LLC DBA Color Health and All of Us Research Program, National Institutes of Health); PubMed 17010805 (cited by All of Us Research Program, National Institutes of Health); PubMed 20031616 (cited by All of Us Research Program, National Institutes of Health); PubMed 20031617 (cited by All of Us Research Program, National Institutes of Health); PubMed 24704780 (cited by All of Us Research Program, National Institutes of Health); PubMed 29038103 (cited by All of Us Research Program, National Institutes of Health); PubMed 34120153 (cited by All of Us Research Program, National Institutes of Health).

NM_001005242.3(PKP2):c.2180_2181del (p.Leu727fs)

Gene: PKP2 (plakophilin 2; minus strand). Cytogenetic location: 12p11.21.
Variant type: Microsatellite.
Coding change: c.2180_2181del on transcript NM_001005242.3 (MANE Select); coding-DNA positions 2180 to 2181, 2 bases deleted (TC; older notation c.2180_2181delTC).
Protein change: p.Leu727fs; shifts the reading frame from leucine 727.
Molecular consequence: frameshift variant.
Genome position (GRCh38, 1-based): chr12:32,796,285-32,796,286, GA deleted on the plus strand (TC on the coding strand, the reverse complement: PKP2 is on the minus strand); deleting any 2 consecutive bases within chr12:32,796,285-32,796,289 gives the same sequence; the c. name uses the placement nearest the transcript's 3' end. VCF-style (leftmost placement, unchanged base first): chr12-32796284-GGA-G. GRCh37 (hg19) VCF-style: chr12-32949218-GGA-G.
Other names: c.2312_2313del, p.Leu771fs (NM_004572.4); c.2312_2313delTC (NM_004572.3); short protein forms L771fs, L727fs.
Identifiers: ClinVar variation 420209 (VCV000420209.20), dbSNP rs1064794350, ClinGen allele CA16619515.